The following is an entry in ClinVar:

NM_002439.5(MSH3):c.2624A>G (p.Asp875Gly)

Gene: MSH3 (mutS homolog 3; plus strand). Cytogenetic location: 5q14.1.
Variant type: single nucleotide variant.
Coding change: c.2624A>G on transcript NM_002439.5 (MANE Select); coding-DNA position 2624, A replaced by G.
Protein change: p.Asp875Gly; replaces aspartic acid 875 with glycine.
Molecular consequence: missense variant.
Genome position (GRCh38, 1-based): chr5:80,792,813, A>G. VCF-style: chr5-80792813-A-G. GRCh37 (hg19) VCF-style: chr5-80088632-A-G.
Other names: short protein forms D875G.
Identifiers: ClinVar variation 1399029 (VCV001399029.6), dbSNP rs1744631443, ClinGen allele CA360272999.

ClinVar aggregate classification (germline): Uncertain significance (1 of 4 stars; one submission).

Submission:

Labcorp Genetics (formerly Invitae), Labcorp
Classification: Uncertain significance. Last evaluated: 2021-11-02. Review status: criteria provided, single submitter. Criteria: Invitae Variant Classification Sherloc (09022015). Collection method: clinical testing. Allele origin: germline.
Comment: In summary, the available evidence is currently insufficient to determine the role of this variant in disease. Therefore, it has been classified as a Variant of Uncertain Significance. Algorithms developed to predict the effect of missense changes on protein structure and function output the following: SIFT: "Tolerated"; PolyPhen-2: "Benign"; Align-GVGD: "Class C0". The glycine amino acid residue is found in multiple mammalian species, which suggests that this missense change does not adversely affect protein function. This variant has not been reported in the literature in individuals affected with MSH3-related conditions. This variant is not present in population databases (gnomAD no frequency). This sequence change replaces aspartic acid, which is acidic and polar, with glycine, which is neutral and non-polar, at codon 875 of the MSH3 protein (p.Asp875Gly).